The following is an entry in ClinVar:

ClinVar aggregate classification (germline): Uncertain significance (1 of 4 stars; one submission).

Allele frequency attached by ClinVar (database versions not stated): gnomAD 0.00001.
gnomAD v4.1: 43 of 1,606,008 alleles (0.0027%); highest among the groups gnomAD compares: East Asian, 0.094%; no homozygotes.

Submission:

Labcorp Genetics (formerly Invitae), Labcorp
Classification: Uncertain significance. Last evaluated: 2022-08-09. Review status: criteria provided, single submitter. Criteria: Invitae Variant Classification Sherloc (09022015). Collection method: clinical testing. Allele origin: germline.
Comment: In summary, the available evidence is currently insufficient to determine the role of this variant in disease. Therefore, it has been classified as a Variant of Uncertain Significance. Algorithms developed to predict the effect of missense changes on protein structure and function (SIFT, PolyPhen-2, Align-GVGD) all suggest that this variant is likely to be disruptive. This variant has not been reported in the literature in individuals affected with PKDCC-related conditions. This variant is present in population databases (rs374454176, gnomAD 0.07%). This sequence change replaces aspartic acid, which is acidic and polar, with tyrosine, which is neutral and polar, at codon 311 of the PKDCC protein (p.Asp311Tyr).

NM_138370.3(PKDCC):c.931G>T (p.Asp311Tyr)

Gene: PKDCC (protein kinase domain containing, cytoplasmic; plus strand). Cytogenetic location: 2p21.
Variant type: single nucleotide variant.
Coding change: c.931G>T on transcript NM_138370.3 (MANE Select); coding-DNA position 931, G replaced by T.
Protein change: p.Asp311Tyr; replaces aspartic acid 311 with tyrosine.
Molecular consequence: missense variant.
Genome position (GRCh38, 1-based): chr2:42,054,204, G>T. VCF-style: chr2-42054204-G-T. GRCh37 (hg19) VCF-style: chr2-42281344-G-T.
Other names: short protein forms D311Y.
Identifiers: ClinVar variation 1477261 (VCV001477261.7), dbSNP rs374454176, ClinGen allele CA1628067.